The following is an entry in ClinVar:

NM_024675.4(PALB2):c.3350+9G>C

Gene: PALB2 (partner and localizer of BRCA2; minus strand). Cytogenetic location: 16p12.2.
Variant type: single nucleotide variant.
Coding change: c.3350+9G>C on transcript NM_024675.4 (MANE Select); 9 bases into the intron after coding-DNA position 3350, G replaced by C.
Molecular consequence: intron variant.
Genome position (GRCh38, 1-based): chr16:23,607,855, C>G on the plus strand (G>C on the coding strand, the complement: PALB2 is on the minus strand). VCF-style: chr16-23607855-C-G. GRCh37 (hg19) VCF-style: chr16-23619176-C-G.
Identifiers: ClinVar variation 1172894 (VCV001172894.1), dbSNP rs1966504683, ClinGen allele CA2499223400.
Genomic context (GRCh38, chr16:23,607,855, plus strand): 5'-CTAGTTTTTGTGTTTGCACAGTGCCTTTCAGAATGTCCCACCCATAGAGTAGCAGTTATG[C>G]ACACTTGCCTGCCAGCCTGCCCTGGAGGAAGACAGTACAGCATCACACCCACGCTGAGAG-3'

ClinVar aggregate classification (germline): Uncertain significance (1 of 4 stars; one submission).

Submission:

Women's Health and Genetics/Laboratory Corporation of America, LabCorp
Classification: Uncertain significance. Last evaluated: 2021-05-23. Review status: criteria provided, single submitter. Criteria: LabCorp Variant Classification Summary - May 2015. Collection method: clinical testing. Allele origin: germline.
Comment: Variant summary: PALB2 c.3350+9G>C alters a non-conserved nucleotide located close to a canonical splice site and therefore could affect mRNA splicing, leading to a significantly altered protein sequence. 4/4 computational tools predict no significant impact on normal splicing. However, these predictions have yet to be confirmed by functional studies. The variant was absent in 251384 control chromosomes. The available data on variant occurrences in the general population are insufficient to allow any conclusion about variant significance. To our knowledge, no occurrence of c.3350+9G>C in individuals affected with Hereditary Breast And Ovarian Cancer Syndrome and no experimental evidence demonstrating its impact on protein function have been reported. No clinical diagnostic laboratories have submitted clinical-significance assessments for this variant to ClinVar after 2014. Based on the evidence outlined above, the variant was classified as uncertain significance.